The following is an entry in ClinVar:

NM_002386.4(MC1R):c.45C>G (p.Asn15Lys)

Gene: MC1R (melanocortin 1 receptor; plus strand). Cytogenetic location: 16q24.3.
Variant type: single nucleotide variant.
Coding change: c.45C>G on transcript NM_002386.4 (MANE Select); coding-DNA position 45, C replaced by G.
Protein change: p.Asn15Lys; replaces asparagine 15 with lysine.
Molecular consequence: missense variant.
Genome position (GRCh38, 1-based): chr16:89,919,303, C>G. VCF-style: chr16-89919303-C-G. GRCh37 (hg19) VCF-style: chr16-89985711-C-G.
Other names: short protein forms N15K.
Identifiers: ClinVar variation 934672 (VCV000934672.11), dbSNP rs1271566138, ClinGen allele CA397459065.

ClinVar aggregate classification (germline): Uncertain significance. Review status: criteria provided, multiple submitters, no conflicts (2 of 4 stars). 2 submissions from 2 submitters: Uncertain significance (2). Last evaluated 2025-08-20.

Conditions:
Melanoma, cutaneous malignant, susceptibility to, 5. Also called: Cutaneous malignant melanoma 5. Identifiers: Orphanet 618, MedGen C2751295, MONDO:0013133, OMIM 613099.

Allele frequency attached by ClinVar (database versions not stated): TOPMed 0.00001.
gnomAD v4.1: 6 of 1,608,796 alleles (0.00037%); highest among the groups gnomAD compares: African/African-American, 0.0027%; no homozygotes.

Submissions (2):

Ambry Genetics
Classification: Uncertain significance. Last evaluated: 2025-08-20. Review status: criteria provided, single submitter. Criteria: Ambry Variant Classification Scheme 2023. Collection method: clinical testing. Allele origin: germline.

Labcorp Genetics (formerly Invitae), Labcorp
Classification: Uncertain significance for Melanoma, cutaneous malignant, susceptibility to, 5. Last evaluated: 2021-02-21. Review status: criteria provided, single submitter. Criteria: Invitae Variant Classification Sherloc (09022015). Collection method: clinical testing. Allele origin: germline.
Comment: This variant is not present in population databases (ExAC no frequency). This variant has not been reported in the literature in individuals with MC1R-related conditions. This sequence change replaces asparagine with lysine at codon 15 of the MC1R protein (p.Asn15Lys). The asparagine residue is highly conserved and there is a moderate physicochemical difference between asparagine and lysine. Algorithms developed to predict the effect of missense changes on protein structure and function are either unavailable or do not agree on the potential impact of this missense change (SIFT: "Deleterious"; PolyPhen-2: "Possibly Damaging"; Align-GVGD: "Class C15"). In summary, the available evidence is currently insufficient to determine the role of this variant in disease. Therefore, it has been classified as a Variant of Uncertain Significance.